The following is an entry in ClinVar:

ClinVar aggregate classification (germline): Uncertain significance (1 of 4 stars; one submission).

Conditions:
Perlman syndrome (PRLMNS). Identifiers: Orphanet 2849, MedGen C0796113, MONDO:0009965, OMIM 267000.

Submission:

Labcorp Genetics (formerly Invitae), Labcorp
Classification: Uncertain significance for Perlman syndrome. Last evaluated: 2025-05-08. Review status: criteria provided, single submitter. Criteria: Invitae Variant Classification Sherloc (09022015). Collection method: clinical testing. Allele origin: germline.
Comment: This sequence change replaces isoleucine, which is neutral and non-polar, with methionine, which is neutral and non-polar, at codon 410 of the DIS3L2 protein (p.Ile410Met). This variant is not present in population databases (gnomAD no frequency). This variant has not been reported in the literature in individuals affected with DIS3L2-related conditions. Invitae Evidence Modeling of protein sequence and biophysical properties (such as structural, functional, and spatial information, amino acid conservation, physicochemical variation, residue mobility, and thermodynamic stability) indicates that this missense variant is expected to disrupt DIS3L2 protein function with a positive predictive value of 80%. In summary, the available evidence is currently insufficient to determine the role of this variant in disease. Therefore, it has been classified as a Variant of Uncertain Significance.

NM_152383.5(DIS3L2):c.1230T>G (p.Ile410Met)

Gene: DIS3L2 (DIS3 like 3'-5' exoribonuclease 2; plus strand). Cytogenetic location: 2q37.1.
Variant type: single nucleotide variant.
Coding change: c.1230T>G on transcript NM_152383.5 (MANE Select); coding-DNA position 1230, T replaced by G.
Protein change: p.Ile410Met; replaces isoleucine 410 with methionine.
Molecular consequence: missense variant. On other transcripts: non-coding transcript variant (2).
Genome position (GRCh38, 1-based): chr2:232,238,558, T>G. VCF-style: chr2-232238558-T-G. GRCh37 (hg19) VCF-style: chr2-233103268-T-G.
Other names: c.1230T>G, p.Ile410Met (NM_001257281.2); short protein forms I410M.
Identifiers: ClinVar variation 4806355 (VCV004806355.1).